The following is an entry in ClinVar:

NM_000051.4(ATM):c.3822G>A (p.Gln1274=)

Gene: ATM (ATM serine/threonine kinase; plus strand). Cytogenetic location: 11q22.3.
Variant type: single nucleotide variant.
Coding change: c.3822G>A on transcript NM_000051.4 (MANE Select); coding-DNA position 3822, G replaced by A.
Protein change: p.Gln1274=; no amino-acid change (glutamine 1274 retained).
Molecular consequence: synonymous variant.
Genome position (GRCh38, 1-based): chr11:108,284,302, G>A. VCF-style: chr11-108284302-G-A. GRCh37 (hg19) VCF-style: chr11-108155029-G-A.
Other names: c.3822G>A, p.Gln1274= (NM_001351834.2).
Identifiers: ClinVar variation 2102444 (VCV002102444.5), dbSNP rs2082378110, ClinGen allele CA476745023.

ClinVar aggregate classification (germline): Benign/Likely benign. Review status: criteria provided, multiple submitters, no conflicts (2 of 4 stars). 2 submissions from 2 submitters: Benign (1); Likely benign (1). Last evaluated 2024-05-15.

Conditions:
Familial cancer of breast. Also called: Hereditary breast cancer; BREAST CANCER, FAMILIAL; hereditary breast carcinoma. Identifiers: Orphanet 227535, MedGen C0346153, MONDO:0016419, OMIM 114480. Disease mechanism: loss of function.
Ataxia-telangiectasia syndrome (AT). Also called: AT, COMPLEMENTATION GROUP C; Ataxia telangiectasia (A-T); LOUIS-BAR SYNDROME; Ataxia-telangiectasia, complementation group D; Ataxia-telangiectasia, complementation group E; ATAXIA-TELANGIECTASIA, COMPLEMENTATION GROUP A. Identifiers: Orphanet 100, MedGen C0004135, MONDO:0008840, OMIM 208900.

Submissions (2):

Myriad Genetics, Inc.
Classification: Benign for Familial cancer of breast. Last evaluated: 2024-05-15. Review status: criteria provided, single submitter. Criteria: Myriad Autosomal Dominant, Autosomal Recessive and X-Linked Classification Criteria (2023). Collection method: clinical testing. Allele origin: unknown.
Comment: This variant is considered benign. This variant is a silent/synonymous amino acid change and it is not expected to impact splicing.

Labcorp Genetics (formerly Invitae), Labcorp
Classification: Likely benign for Ataxia-telangiectasia syndrome. Last evaluated: 2022-10-01. Review status: criteria provided, single submitter. Criteria: Invitae Variant Classification Sherloc (09022015). Collection method: clinical testing. Allele origin: germline.